The following is an entry in ClinVar:

ClinVar aggregate classification (germline): Uncertain significance (1 of 4 stars; one submission).

Submission:

GeneDx
Classification: Uncertain significance. Last evaluated: 2023-11-17. Review status: criteria provided, single submitter. Criteria: GeneDx Variant Classification Process June 2021. Collection method: clinical testing. Allele origin: germline. Affected: yes.
Comment: Not observed at significant frequency in large population cohorts (gnomAD); In silico analysis supports that this missense variant has a deleterious effect on protein structure/function; Has not been previously published as pathogenic or benign to our knowledge

NM_001395159.1(UNC79):c.3865C>G (p.Pro1289Ala)

Gene: UNC79 (unc-79 homolog, NALCN channel complex subunit; plus strand). Cytogenetic location: 14q32.12.
Variant type: single nucleotide variant.
Coding change: c.3865C>G on transcript NM_001395159.1 (MANE Select); coding-DNA position 3865, C replaced by G.
Protein change: p.Pro1289Ala; replaces proline 1289 with alanine.
Molecular consequence: missense variant.
Genome position (GRCh38, 1-based): chr14:93,612,841, C>G. VCF-style: chr14-93612841-C-G. GRCh37 (hg19) VCF-style: chr14-94079187-C-G.
Other names: c.3799C>G, p.Pro1267Ala (NM_001346218.2); c.3268C>G, p.Pro1090Ala (NM_020818.5); short protein forms P1090A, P1267A, P1289A.
Identifiers: ClinVar variation 3364492 (VCV003364492.1).